The following is an entry in ClinVar:

ClinVar aggregate classification (germline): Benign/Likely benign. Review status: criteria provided, multiple submitters, no conflicts (2 of 4 stars). 3 submissions from 3 submitters: Benign (1); Likely benign (2). Last evaluated 2024-09-26.

Conditions:
Hereditary cancer-predisposing syndrome. Also called: Tumor predisposition; Neoplastic Syndromes, Hereditary; Hereditary Cancer Syndrome; Hereditary neoplastic syndrome. Identifiers: Orphanet 140162, MedGen C0027672, MeSH D009386, MONDO:0015356.
Familial melanoma. Also called: Hereditary melanoma; Hereditary cutaneous melanoma. Identifiers: Orphanet 618, MedGen C1512419, MONDO:0018961.
Melanoma, cutaneous malignant, susceptibility to, 3. Also called: Cutaneous malignant melanoma 3. Identifiers: Orphanet 618, MedGen C1836892, MONDO:0012183, OMIM 609048.

Allele frequency attached by ClinVar (database versions not stated): gnomAD exomes below 0.00001.
gnomAD v4.1: 2 of 1,614,032 alleles (0.00012%); highest among the groups gnomAD compares: Non-Finnish European, 0.00017%; no homozygotes.

Submissions (3):

Myriad Genetics, Inc.
Classification: Benign for Melanoma, cutaneous malignant, susceptibility to, 3. Last evaluated: 2024-09-26. Review status: criteria provided, single submitter. Criteria: Myriad Autosomal Dominant, Autosomal Recessive and X-Linked Classification Criteria (2023). Collection method: clinical testing. Allele origin: unknown.
Comment: This variant is considered benign. This variant is a silent/synonymous amino acid change and it is not expected to impact splicing.

Labcorp Genetics (formerly Invitae), Labcorp
Classification: Likely benign for Familial melanoma. Last evaluated: 2023-08-17. Review status: criteria provided, single submitter. Criteria: Invitae Variant Classification Sherloc (09022015). Collection method: clinical testing. Allele origin: germline.

Ambry Genetics
Classification: Likely benign for Hereditary cancer-predisposing syndrome. Last evaluated: 2020-09-12. Review status: criteria provided, single submitter. Criteria: Ambry Variant Classification Scheme 2023. Collection method: clinical testing. Allele origin: germline.

NM_000075.4(CDK4):c.588C>T (p.Asp196=)

Gene: CDK4 (cyclin dependent kinase 4; minus strand). Cytogenetic location: 12q14.1.
Variant type: single nucleotide variant.
Coding change: c.588C>T on transcript NM_000075.4 (MANE Select); coding-DNA position 588, C replaced by T.
Protein change: p.Asp196=; no amino-acid change (aspartic acid 196 retained).
Molecular consequence: synonymous variant.
Genome position (GRCh38, 1-based): chr12:57,750,700, G>A on the plus strand (C>T on the coding strand, the complement: CDK4 is on the minus strand). VCF-style: chr12-57750700-G-A. GRCh37 (hg19) VCF-style: chr12-58144483-G-A.
Identifiers: ClinVar variation 1107811 (VCV001107811.12), dbSNP rs2140385708, ClinGen allele CA480301129.